The following is an entry in ClinVar:

ClinVar aggregate classification (germline): Uncertain significance. Review status: criteria provided, multiple submitters, no conflicts (2 of 4 stars). 2 submissions from 2 submitters: Uncertain significance (2). Last evaluated 2025-11-26.

Conditions:
Inborn genetic diseases. Identifiers: MedGen C0950123, MeSH D030342.

Allele frequency attached by ClinVar (database versions not stated): gnomAD exomes below 0.00001; TOPMed below 0.00001.

Submissions (2):

Ambry Genetics
Classification: Uncertain significance for Inborn genetic diseases. Last evaluated: 2025-11-26. Review status: criteria provided, single submitter. Criteria: Ambry Variant Classification Scheme 2023. Collection method: clinical testing. Allele origin: germline.

GeneDx
Classification: Uncertain significance. Last evaluated: 2023-01-25. Review status: criteria provided, single submitter. Criteria: GeneDx Variant Classification Process June 2021. Collection method: clinical testing. Allele origin: germline. Affected: yes.
Comment: Not observed at significant frequency in large population cohorts (gnomAD); In silico analysis supports that this missense variant does not alter protein structure/function; Has not been previously published as pathogenic or benign to our knowledge

NM_020791.4(TAOK1):c.2845G>A (p.Gly949Arg)

Gene: TAOK1 (TAO kinase 1; plus strand). Cytogenetic location: 17q11.2.
Variant type: single nucleotide variant.
Coding change: c.2845G>A on transcript NM_020791.4 (MANE Select); coding-DNA position 2845, G replaced by A.
Protein change: p.Gly949Arg; replaces glycine 949 with arginine.
Molecular consequence: missense variant.
Genome position (GRCh38, 1-based): chr17:29,542,861, G>A. VCF-style: chr17-29542861-G-A. GRCh37 (hg19) VCF-style: chr17-27869879-G-A.
Other names: c.2401G>A, p.Gly801Arg (NM_025142.1); short protein forms G801R, G949R.
Identifiers: ClinVar variation 2574314 (VCV002574314.2), dbSNP rs2032343122, ClinGen allele CA398920794.